The following is an entry in ClinVar:

ClinVar aggregate classification (germline): Uncertain significance. Review status: criteria provided, multiple submitters, no conflicts (2 of 4 stars). 3 submissions from 3 submitters: Uncertain significance (3). Last evaluated 2024-09-15.

Conditions:
Colorectal cancer, susceptibility to, 1. Also called: COLORECTAL CANCER, SUSCEPTIBILITY TO, ON CHROMOSOME 9; COLORECTAL ADENOMA AND CANCER, SUSCEPTIBILITY TO. Identifiers: MedGen C1837315, MONDO:0012132, OMIM 608812.

Allele frequency attached by ClinVar (database versions not stated): gnomAD 0.00001; gnomAD exomes 0.00001; TOPMed 0.00002.
gnomAD v4.1: 10 of 1,595,954 alleles (0.00063%); highest among the groups gnomAD compares: South Asian, 0.0033%; no homozygotes.

Submissions (3):

Ambry Genetics
Classification: Uncertain significance. Last evaluated: 2024-09-15. Review status: criteria provided, single submitter. Criteria: Ambry Variant Classification Scheme 2023. Collection method: clinical testing. Allele origin: germline.
Comment: The p.E341K variant (also known as c.1021G>A), located in coding exon 5 of the GALNT12 gene, results from a G to A substitution at nucleotide position 1021. The glutamic acid at codon 341 is replaced by lysine, an amino acid with similar properties. This amino acid position is highly conserved in available vertebrate species. In addition, this alteration is predicted to be deleterious by in silico analysis. Since supporting evidence is limited at this time, the clinical significance of this alteration remains unclear.

Labcorp Genetics (formerly Invitae), Labcorp
Classification: Uncertain significance. Last evaluated: 2024-04-08. Review status: criteria provided, single submitter. Criteria: Invitae Variant Classification Sherloc (09022015). Collection method: clinical testing. Allele origin: germline.
Comment: This sequence change replaces glutamic acid, which is acidic and polar, with lysine, which is basic and polar, at codon 341 of the GALNT12 protein (p.Glu341Lys). This variant is present in population databases (no rsID available, gnomAD 0.0009%). This variant has not been reported in the literature in individuals affected with GALNT12-related conditions. ClinVar contains an entry for this variant (Variation ID: 822027). Advanced modeling of protein sequence and biophysical properties (such as structural, functional, and spatial information, amino acid conservation, physicochemical variation, residue mobility, and thermodynamic stability) performed at Invitae indicates that this missense variant is expected to disrupt GALNT12 protein function with a positive predictive value of 80%. In summary, the available evidence is currently insufficient to determine the role of this variant in disease. Therefore, it has been classified as a Variant of Uncertain Significance.

Baylor Genetics
Classification: Uncertain significance for Colorectal cancer, susceptibility to, 1. Last evaluated: 2024-02-28. Review status: criteria provided, single submitter. Criteria: ACMG Guidelines, 2015. Collection method: clinical testing. Allele origin: unknown.

NM_024642.5(GALNT12):c.1021G>A (p.Glu341Lys)

Gene: GALNT12 (polypeptide N-acetylgalactosaminyltransferase 12; plus strand). Cytogenetic location: 9q22.33.
Variant type: single nucleotide variant.
Coding change: c.1021G>A on transcript NM_024642.5 (MANE Select); coding-DNA position 1021, G replaced by A.
Protein change: p.Glu341Lys; replaces glutamic acid 341 with lysine.
Molecular consequence: missense variant.
Genome position (GRCh38, 1-based): chr9:98,835,352, G>A. VCF-style: chr9-98835352-G-A. GRCh37 (hg19) VCF-style: chr9-101597634-G-A.
Other names: short protein forms E341K.
Identifiers: ClinVar variation 822027 (VCV000822027.13), dbSNP rs1447125430, ClinGen allele CA374219539.